The following is an entry in ClinVar:

NM_003660.4(PPFIA3):c.1926C>A (p.Gly642=)

Gene: PPFIA3 (PPFI scaffold protein A3; plus strand). Cytogenetic location: 19q13.33.
Variant type: single nucleotide variant.
Coding change: c.1926C>A on transcript NM_003660.4 (MANE Select); coding-DNA position 1926, C replaced by A.
Protein change: p.Gly642=; no amino-acid change (glycine 642 retained).
Molecular consequence: synonymous variant.
Genome position (GRCh38, 1-based): chr19:49,138,277, C>A. VCF-style: chr19-49138277-C-A. GRCh37 (hg19) VCF-style: chr19-49641534-C-A.
Identifiers: ClinVar variation 4083545 (VCV004083545.8).

ClinVar aggregate classification (germline): Benign (1 of 4 stars; one submission).

gnomAD v4.1: 14,061 of 1,613,614 alleles (0.87%); highest among the groups gnomAD compares: Non-Finnish European, 1.1%; 91 homozygotes.

Submission:

CeGaT Center for Human Genetics Tuebingen
Classification: Benign. Last evaluated: 2026-07-01. Review status: criteria provided, single submitter. Criteria: CeGaT Center For Human Genetics Tuebingen Variant Classification Criteria Version 2. Collection method: clinical testing. Allele origin: germline. Affected: yes. Observed: 8 variant alleles.
Comment: PPFIA3: BP4, BP7, BS1, BS2